The following is an entry in ClinVar:

ClinVar aggregate classification (germline): Uncertain significance (1 of 4 stars; one submission).

Submission:

GeneDx
Classification: Uncertain significance. Last evaluated: 2026-01-27. Review status: criteria provided, single submitter. Criteria: GeneDx Variant Classification Process June 2021. Collection method: clinical testing. Allele origin: germline.
Comment: Not observed at significant frequency in large population cohorts (gnomAD); In silico analysis supports that this missense variant has a deleterious effect on protein structure/function; Has not been previously published as pathogenic or benign to our knowledge

NM_144973.4(DENND5B):c.1174T>A (p.Phe392Ile)

Gene: DENND5B (DENN domain containing 5B; minus strand). Cytogenetic location: 12p11.21.
Variant type: single nucleotide variant.
Coding change: c.1174T>A on transcript NM_144973.4 (MANE Select); coding-DNA position 1174, T replaced by A.
Protein change: p.Phe392Ile; replaces phenylalanine 392 with isoleucine.
Molecular consequence: missense variant.
Genome position (GRCh38, 1-based): chr12:31,452,395, A>T on the plus strand (T>A on the coding strand, the complement: DENND5B is on the minus strand). VCF-style: chr12-31452395-A-T. GRCh37 (hg19) VCF-style: chr12-31605329-A-T.
Other names: c.1279T>A, p.Phe427Ile (NM_001308339.2); c.1240T>A, p.Phe414Ile (NM_001366890.1, NM_001366893.1); c.643T>A, p.Phe215Ile (NM_001366891.1); c.1174T>A, p.Phe392Ile (NM_001366892.1); short protein forms F215I, F392I, F414I, F427I.
Identifiers: ClinVar variation 4975433 (VCV004975433.1).
Genomic context (GRCh38, chr12:31,452,395, plus strand): 5'-GTAGGCTGCCCTCAGGAGGGATCCCAAATTGAACAAGAACCTCAGAGAGTTCTTGGATAA[A>T]ATCCACTTTATTGGGGAACTGTGGAAATTCTTCAGGCAACTCAATAAAATGGTTGTCAAT-3'
Protein context (NP_659410.3, residues 382-402): EFPQFPNKVD[Phe392Ile]IQELSEVLVQ